The following is an entry in ClinVar:

NM_001098.3(ACO2):c.266TGCGGC[3] (p.Arg92_Pro93insLeuArg)

Gene: ACO2 (aconitase 2; plus strand). Cytogenetic location: 22q13.2.
Variant type: Microsatellite.
Coding change: c.266TGCGGC[3] on transcript NM_001098.3 (MANE Select); three copies in a row of the 6-base unit TGCGGC starting at c.266; the reference has two copies in a row; one copy, 6 bases duplicated.
Protein change: p.Arg92_Pro93insLeuArg.
Molecular consequence: inframe insertion.
Genome position (GRCh38, 1-based): chr22:41,507,889-41,507,894, TGCGGC duplicated; duplicating any 6 consecutive bases within chr22:41,507,882-41,507,894 gives the same sequence; the position shown is the placement nearest the transcript's 3' end. VCF-style (leftmost placement, unchanged base first): chr22-41507881-C-CCTGCGG. GRCh37 (hg19) VCF-style: chr22-41903885-C-CCTGCGG.
Identifiers: ClinVar variation 2662233 (VCV002662233.1), dbSNP rs2518216758, ClinGen allele CA2656950810.

ClinVar aggregate classification (germline): Uncertain significance (1 of 4 stars; one submission).

Submission:

GeneDx
Classification: Uncertain significance. Last evaluated: 2023-05-08. Review status: criteria provided, single submitter. Criteria: GeneDx Variant Classification Process June 2021. Collection method: clinical testing. Allele origin: germline. Affected: yes.
Comment: Not observed at significant frequency in large population cohorts (gnomAD); In-frame insertion of 2 amino acids in a non-repeat region; Has not been previously published as pathogenic or benign to our knowledge